The following is an entry in ClinVar:

ClinVar aggregate classification (germline): Conflicting classifications of pathogenicity. Review status: criteria provided, conflicting classifications (1 of 4 stars). 2 submissions from 2 submitters: Uncertain significance (1); Likely benign (1). Last evaluated 2024-09-20.

Conditions:
Developmental delay with variable intellectual impairment and behavioral abnormalities. Identifiers: MedGen C5193092, MONDO:0032745, OMIM 618430.

Submissions (2):

3billion
Classification: Likely benign for Developmental delay with variable intellectual impairment and behavioral abnormalities. Last evaluated: 2024-09-20. Review status: criteria provided, single submitter. Criteria: ACMG Guidelines, 2015. Collection method: clinical testing. Allele origin: germline. Affected: no.
Comment: The variant was identified in at least one patient who was diagnosed with a different variant in another gene and showed no symptoms related to the gene containing the variant in question.

Revvity Omics, Revvity
Classification: Uncertain significance for Developmental delay with variable intellectual impairment and behavioral abnormalities. Last evaluated: 2020-09-01. Review status: criteria provided, single submitter. Criteria: ACMG Guidelines, 2015. Collection method: clinical testing. Allele origin: germline.

NM_001378418.1(TCF20):c.2518C>G (p.Pro840Ala)

Gene: TCF20 (transcription factor 20; minus strand). Cytogenetic location: 22q13.2.
Variant type: single nucleotide variant.
Coding change: c.2518C>G on transcript NM_001378418.1 (MANE Select); coding-DNA position 2518, C replaced by G.
Protein change: p.Pro840Ala; replaces proline 840 with alanine.
Molecular consequence: missense variant.
Genome position (GRCh38, 1-based): chr22:42,212,788, G>C on the plus strand (C>G on the coding strand, the complement: TCF20 is on the minus strand). VCF-style: chr22-42212788-G-C. GRCh37 (hg19) VCF-style: chr22-42608794-G-C.
Other names: c.2518C>G, p.Pro840Ala (NM_005650.4, NM_181492.3); short protein forms P840A.
Identifiers: ClinVar variation 2436996 (VCV002436996.4), dbSNP rs1921140611, ClinGen allele CA411788471.
Genomic context (GRCh38, chr22:42,212,788, plus strand): 5'-GGGAACCCCCAGGCTCATGTGCTGATGACTGAGGCTCTATTTCAAACTTTCTGGGAATTG[G>C]ATAGTCAGTCAAATTGATCTGTTTCATTTCAGGAGCTGTGCTGCTTGATTTCCTTTCCCA-3'
Protein context (NP_001365347.1, residues 830-850): EMKQINLTDY[Pro840Ala]IPRKFEIEPQ